The following is an entry in ClinVar:

ClinVar aggregate classification (germline): Uncertain significance (1 of 4 stars; one submission).

Conditions:
Hereditary nonpolyposis colorectal neoplasms. Identifiers: MedGen C0009405, MeSH D003123.

Submission:

Labcorp Genetics (formerly Invitae), Labcorp
Classification: Uncertain significance for Hereditary nonpolyposis colorectal neoplasms. Last evaluated: 2023-09-15. Review status: criteria provided, single submitter. Criteria: Invitae Variant Classification Sherloc (09022015). Collection method: clinical testing. Allele origin: germline.
Comment: Advanced modeling of protein sequence and biophysical properties (such as structural, functional, and spatial information, amino acid conservation, physicochemical variation, residue mobility, and thermodynamic stability) performed at Invitae indicates that this missense variant is not expected to disrupt MSH6 protein function. This sequence change replaces glutamine, which is neutral and polar, with leucine, which is neutral and non-polar, at codon 958 of the MSH6 protein (p.Gln958Leu). This variant is not present in population databases (gnomAD no frequency). This variant has not been reported in the literature in individuals affected with MSH6-related conditions. In summary, the available evidence is currently insufficient to determine the role of this variant in disease. Therefore, it has been classified as a Variant of Uncertain Significance.

NM_000179.3(MSH6):c.2873A>T (p.Gln958Leu)

Gene: MSH6 (mutS homolog 6; plus strand). Cytogenetic location: 2p16.3.
Variant type: single nucleotide variant.
Coding change: c.2873A>T on transcript NM_000179.3 (MANE Select); coding-DNA position 2873, A replaced by T.
Protein change: p.Gln958Leu; replaces glutamine 958 with leucine.
Molecular consequence: missense variant. On other transcripts: non-coding transcript variant (5), intron variant (2).
Genome position (GRCh38, 1-based): chr2:47,800,856, A>T. VCF-style: chr2-47800856-A-T. GRCh37 (hg19) VCF-style: chr2-48027995-A-T.
Other names: c.1967A>T, p.Gln656Leu (NM_001406811.1, NM_001406812.1, NM_001406814.1 and 6 more transcripts); c.2879A>T, p.Gln960Leu (NM_001406813.1); c.2576A>T, p.Gln859Leu (NM_001406818.1, NM_001406819.1, NM_001406820.1 and 10 more transcripts); c.2483A>T, p.Gln828Leu (NM_001281492.2); c.2969A>T, p.Gln990Leu (NM_001406795.1, NM_001406802.1); c.2873A>T, p.Gln958Leu (NM_001406796.1, NM_001406798.1, NM_001406800.1 and 2 more transcripts); c.2348A>T, p.Gln783Leu (NM_001406799.1, NM_001406806.1, NM_001406807.1); c.2795A>T, p.Gln932Leu (NM_001406804.1); and 4 more; short protein forms Q859L, Q932L, Q828L, Q902L, Q958L, Q656L, Q960L, Q990L.
Identifiers: ClinVar variation 3012663 (VCV003012663.3), dbSNP rs876660185, ClinGen allele CA346755995.